The following is an entry in ClinVar:

NM_033028.5(BBS4):c.502G>A (p.Asp168Asn)

Gene: BBS4 (Bardet-Biedl syndrome 4; plus strand). Cytogenetic location: 15q24.1.
Variant type: single nucleotide variant.
Coding change: c.502G>A on transcript NM_033028.5 (MANE Select); coding-DNA position 502, G replaced by A.
Protein change: p.Asp168Asn; replaces aspartic acid 168 with asparagine.
Molecular consequence: missense variant. On other transcripts: 5 prime UTR variant (1), non-coding transcript variant (2).
Genome position (GRCh38, 1-based): chr15:72,724,570, G>A. VCF-style: chr15-72724570-G-A. GRCh37 (hg19) VCF-style: chr15-73016911-G-A.
Other names: c.502G>A (NM_033028.3); c.-15G>A (NM_001252678.2); c.502G>A, p.Asp168Asn (NM_001320665.2); short protein forms D168N.
Identifiers: ClinVar variation 850191 (VCV000850191.8), dbSNP rs769766779, ClinGen allele CA7646657.

ClinVar aggregate classification (germline): Uncertain significance. Review status: criteria provided, multiple submitters, no conflicts (2 of 4 stars). 2 submissions from 2 submitters: Uncertain significance (2). Last evaluated 2025-08-02.

Conditions:
Inborn genetic diseases. Identifiers: MedGen C0950123, MeSH D030342.
Bardet-Biedl syndrome (BBS). Identifiers: Orphanet 110, MedGen C0752166, MONDO:0015229.

Allele frequency attached by ClinVar (database versions not stated): TOPMed 0.00001.
gnomAD v4.1: 7 of 1,614,062 alleles (0.00043%); highest among the groups gnomAD compares: Admixed American, 0.005%; no homozygotes.

Submissions (2):

Ambry Genetics
Classification: Uncertain significance for Inborn genetic diseases. Last evaluated: 2025-08-02. Review status: criteria provided, single submitter. Criteria: Ambry Variant Classification Scheme 2023. Collection method: clinical testing. Allele origin: germline.

Labcorp Genetics (formerly Invitae), Labcorp
Classification: Uncertain significance for Bardet-Biedl syndrome. Last evaluated: 2022-08-16. Review status: criteria provided, single submitter. Criteria: Invitae Variant Classification Sherloc (09022015). Collection method: clinical testing. Allele origin: germline.
Comment: This sequence change replaces aspartic acid, which is acidic and polar, with asparagine, which is neutral and polar, at codon 168 of the BBS4 protein (p.Asp168Asn). This variant is present in population databases (rs769766779, gnomAD 0.003%). This variant has not been reported in the literature in individuals affected with BBS4-related conditions. ClinVar contains an entry for this variant (Variation ID: 850191). Algorithms developed to predict the effect of missense changes on protein structure and function are either unavailable or do not agree on the potential impact of this missense change (SIFT: "Tolerated"; PolyPhen-2: "Possibly Damaging"; Align-GVGD: "Class C0"). In summary, the available evidence is currently insufficient to determine the role of this variant in disease. Therefore, it has been classified as a Variant of Uncertain Significance.